The following is an entry in ClinVar:

NM_000494.4(COL17A1):c.3779G>A (p.Arg1260His)

Gene: COL17A1 (collagen type XVII alpha 1 chain; minus strand). Cytogenetic location: 10q25.1.
Variant type: single nucleotide variant.
Coding change: c.3779G>A on transcript NM_000494.4 (MANE Select); coding-DNA position 3779, G replaced by A.
Protein change: p.Arg1260His; replaces arginine 1260 with histidine.
Molecular consequence: missense variant.
Genome position (GRCh38, 1-based): chr10:104,034,322, C>T on the plus strand (G>A on the coding strand, the complement: COL17A1 is on the minus strand). VCF-style: chr10-104034322-C-T. GRCh37 (hg19) VCF-style: chr10-105794080-C-T.
Other names: short protein forms R1260H.
Identifiers: ClinVar variation 3147301 (VCV003147301.2), dbSNP rs759888854, ClinGen allele CA5677805.

ClinVar aggregate classification (germline): Uncertain significance. Review status: criteria provided, single submitter (1 of 4 stars). 2 submissions from 2 submitters: Uncertain significance (1). 1 of the submissions does not count toward it. Last evaluated 2022-11-17.

Conditions:
Inborn genetic diseases. Identifiers: MedGen C0950123, MeSH D030342.
COL17A1-related disorder. Also called: COL17A1-related condition.

Allele frequency attached by ClinVar (database versions not stated): gnomAD 0.00005; gnomAD exomes 0.00005; TOPMed 0.00006; ExAC 0.00008.
gnomAD v4.1: 75 of 1,560,078 alleles (0.0048%); highest among the groups gnomAD compares: Non-Finnish European, 0.0055%; no homozygotes.

Submissions (2):

Ambry Genetics
Classification: Uncertain significance for Inborn genetic diseases. Last evaluated: 2022-11-17. Review status: criteria provided, single submitter. Criteria: Ambry Variant Classification Scheme 2023. Collection method: clinical testing. Allele origin: germline.

PreventionGenetics, part of Exact Sciences
Classification: Uncertain significance for COL17A1-related condition. Last evaluated: 2024-05-21. Review status: no assertion criteria provided. Collection method: clinical testing. Allele origin: germline. Not counted in ClinVar's aggregate classification.
Comment: The COL17A1 c.3779G>A variant is predicted to result in the amino acid substitution p.Arg1260His. To our knowledge, this variant has not been reported in the literature. This variant is reported in 0.015% of alleles in individuals of European (Non-Finnish) descent in gnomAD. At this time, the clinical significance of this variant is uncertain due to the absence of conclusive functional and genetic evidence.